The following is an entry in ClinVar:

NM_004606.5(TAF1):c.5030T>G (p.Ile1677Ser)

Gene: TAF1 (TATA-box binding protein associated factor 1; plus strand). Cytogenetic location: Xq13.1.
Variant type: single nucleotide variant.
Coding change: c.5030T>G on transcript NM_004606.5 (MANE Select); coding-DNA position 5030, T replaced by G.
Protein change: p.Ile1677Ser; replaces isoleucine 1677 with serine.
Molecular consequence: missense variant. On other transcripts: non-coding transcript variant (9).
Genome position (GRCh38, 1-based): chrX:71,458,332, T>G. VCF-style: chrX-71458332-T-G. GRCh37 (hg19) VCF-style: chrX-70678182-T-G.
Other names: c.5036T>G, p.Ile1679Ser (NM_001286074.2); c.4967T>G, p.Ile1656Ser (NM_138923.4); short protein forms I1656S, I1677S, I1679S.
Identifiers: ClinVar variation 3377341 (VCV003377341.1).

ClinVar aggregate classification (germline): Uncertain significance (1 of 4 stars; one submission).

Conditions:
Intellectual developmental disorder, X-linked, syndromic 33. Also called: X-linked intellectual disability-global development delay-facial dysmorphism-sacral caudal remnant syndrome; Intellectual disability, X-linked, syndromic 33. Identifiers: Orphanet 480907, MedGen C4225418, MONDO:0010500, OMIM 300966.

Submission:

Victorian Clinical Genetics Services, Murdoch Childrens Research Institute
Classification: Uncertain significance for Intellectual developmental disorder, X-linked, syndromic 33. Last evaluated: 2024-10-08. Review status: criteria provided, single submitter. Criteria: ACMG Guidelines, 2015. Collection method: clinical testing. Allele origin: germline. Inheritance: X-linked recessive inheritance. Affected: yes.
Comment: Based on the classification scheme VCGS_Germline_v1.3.4, this variant is classified as VUS-3C. Following criteria are met: 0102 - Loss of function is a likely mechanism of disease in this gene and is associated with intellectual developmental disorder, X-linked, syndromic 33 (MIM#300966). (I) 0109 - This gene is associated with X-linked recessive disease. (I) 0200 - Variant is predicted to result in a missense amino acid change from isoleucine to serine. (I) 0253 - This variant is hemizygous. (I) 0301 - Variant is absent from gnomAD (both v2 and v3). (SP) 0309 - An alternative amino acid change at the same position has been observed in gnomAD (v3) (1 heterozygote, 0 homozygotes, 0 hemizygotes). (I) 0503 - Missense variant consistently predicted to be tolerated by multiple in silico tools or not conserved in placental mammals with a minor amino acid change. (SB) 0604 - Variant is not located in an established domain, motif, hotspot or informative constraint region. (I) 0705 - No comparable missense variants have previous evidence for pathogenicity. (I) 0807 - This variant has no previous evidence of pathogenicity. (I) 0905 - No published segregation evidence has been identified for this variant. (I) 1007 - No published functional evidence has been identified for this variant. (I) Legend: (SP) - Supporting pathogenic, (I) - Information, (SB) - Supporting benign